The following is an entry in ClinVar:

ClinVar aggregate classification (germline): Likely benign. Review status: criteria provided, multiple submitters, no conflicts (2 of 4 stars). 2 submissions from 2 submitters: Likely benign (2). Last evaluated 2019-05-06.

Conditions:
Hereditary cancer-predisposing syndrome. Also called: Tumor predisposition; Hereditary neoplastic syndrome; Neoplastic Syndromes, Hereditary; Hereditary Cancer Syndrome. Identifiers: Orphanet 140162, MedGen C0027672, MeSH D009386, MONDO:0015356.

gnomAD v4.1: 1 of 1,580,930 alleles (0.000063%); highest among the groups gnomAD compares: Non-Finnish European, 0.000086%; no homozygotes.

Submissions (2):

Color Diagnostics, LLC DBA Color Health
Classification: Likely benign for Hereditary cancer-predisposing syndrome. Last evaluated: 2019-05-06. Review status: criteria provided, single submitter. Criteria: ACMG Guidelines, 2015. Collection method: clinical testing. Allele origin: germline.

GeneDx
Classification: Likely benign. Last evaluated: 2017-02-13. Review status: criteria provided, single submitter. Criteria: GeneDx Variant Classification (06012015). Collection method: clinical testing. Allele origin: germline. Affected: yes.
Comment: This variant is considered likely benign or benign based on one or more of the following criteria: it is a conservative change, it occurs at a poorly conserved position in the protein, it is predicted to be benign by multiple in silico algorithms, and/or has population frequency not consistent with disease.

NM_000179.3(MSH6):c.4002-18T>C

Gene: MSH6 (mutS homolog 6; plus strand). Cytogenetic location: 2p16.3.
Variant type: single nucleotide variant.
Coding change: c.4002-18T>C on transcript NM_000179.3 (MANE Select); 18 bases into the intron before coding-DNA position 4002, T replaced by C.
Molecular consequence: intron variant.
Genome position (GRCh38, 1-based): chr2:47,806,761, T>C. VCF-style: chr2-47806761-T-C. GRCh37 (hg19) VCF-style: chr2-48033900-T-C.
Other names: c.3096-18T>C (NM_001281493.2, NM_001281494.2); c.3612-18T>C (NM_001281492.2).
Identifiers: ClinVar variation 517755 (VCV000517755.3), dbSNP rs1553333928, ClinGen allele CA658795765.